The following is an entry in ClinVar:

ClinVar aggregate classification (germline): Likely benign. Review status: criteria provided, multiple submitters, no conflicts (2 of 4 stars). 2 submissions from 2 submitters: Likely benign (2). Last evaluated 2025-12-22.

Conditions:
Neurodegeneration with brain iron accumulation 6 (NBIA6). Also called: COASY protein-associated neurodegeneration. Identifiers: Orphanet 397725, MedGen C4517377, MONDO:0014290, OMIM 615643.

Allele frequency attached by ClinVar (database versions not stated): ExAC 0.00006; gnomAD exomes 0.00003 and 0.00008; ESP Exome Variant Server 0.00008; gnomAD 0.00029 and 0.00036; TOPMed 0.00037.
gnomAD v4.1: 93 of 1,613,992 alleles (0.0058%); highest among the groups gnomAD compares: African/African-American, 0.11%; no homozygotes.

Submissions (2):

Labcorp Genetics (formerly Invitae), Labcorp
Classification: Likely benign for Neurodegeneration with brain iron accumulation 6. Last evaluated: 2025-12-22. Review status: criteria provided, single submitter. Criteria: Invitae Variant Classification Sherloc (09022015). Collection method: clinical testing. Allele origin: germline.

GeneDx
Classification: Likely benign. Last evaluated: 2019-01-09. Review status: criteria provided, single submitter. Criteria: GeneDx Variant Classification Process June 2021. Collection method: clinical testing. Allele origin: germline. Affected: yes.
Comment: See Variant Classification Assertion Criteria.

NM_025233.7(COASY):c.1388-8C>T

Gene: COASY (Coenzyme A synthase; plus strand). Cytogenetic location: 17q21.2.
Variant type: single nucleotide variant.
Coding change: c.1388-8C>T on transcript NM_025233.7 (MANE Select); 8 bases into the intron before coding-DNA position 1388, C replaced by T.
Molecular consequence: intron variant.
Genome position (GRCh38, 1-based): chr17:42,565,463, C>T. VCF-style: chr17-42565463-C-T. GRCh37 (hg19) VCF-style: chr17-40717481-C-T.
Other names: c.1475-8C>T (NM_001042532.4); c.1388-8C>T (NM_001042529.3).
Identifiers: ClinVar variation 1569908 (VCV001569908.10), dbSNP rs375555007, ClinGen allele CA8578321.